The following is an entry in ClinVar:

GRCh38/hg38 Xp22.31(chrX:6537108-8167603)x1

Genes: MIR4767 (microRNA 4767; plus strand), MIR651 (microRNA 651; plus strand), PNPLA4 (patatin like domain 4, phospholipase and triacylglycerol lipase; minus strand), PUDP (pseudouridine 5'-phosphatase; minus strand), STS (steroid sulfatase; plus strand) and 22 more. Cytogenetic location: Xp22.31.
Variant type: copy number loss.
Change: copy number 1 of chrX:6,537,108-8,167,603 (1.63 Mb, GRCh38 coordinates, 1-based), cytogenetic band Xp22.31.
Identifiers: ClinVar variation 155693 (VCV000155693.3).

ClinVar aggregate classification (germline): no classifications from unflagged records (0 of 4 stars; one submission).

Submission:

ISCA site 1
Classification: Likely benign. Last evaluated: 2018-02-12. Review status: flagged submission. Collection method: clinical testing. Allele origin: unknown. Affected: yes. Observed: 1 variant allele.
Comment: Copy number variation identified through the course of routine clinical cytogenomic testing in postnatal populations, with clinical assertions as classified by the original submitter. For data from the original published study, Kaminsky, et al. 2011 (PubMed 21844811), please see nstd101.
ClinVar note: Notes: This submission was flagged because its interpretation of this variant conflicts with the ClinGen Gene Dosage Map curation for the gene STS.
ClinVar note: Reason: Conflict with ClinGen Gene Dosage Map